The following is an entry in ClinVar:

ClinVar aggregate classification (germline): Uncertain significance (1 of 4 stars; one submission).

Submission:

Ambry Genetics
Classification: Uncertain significance. Last evaluated: 2023-09-28. Review status: criteria provided, single submitter. Criteria: Ambry Variant Classification Scheme 2023. Collection method: clinical testing. Allele origin: germline.
Comment: The p.V2431L variant (also known as c.7291G>T), located in coding exon 27 of the POLQ gene, results from a G to T substitution at nucleotide position 7291. The valine at codon 2431 is replaced by leucine, an amino acid with highly similar properties. This amino acid position is conserved. In addition, the in silico prediction for this alteration is inconclusive. Since supporting evidence is limited at this time, the clinical significance of this alteration remains unclear.

NM_199420.4(POLQ):c.7291G>T (p.Val2431Leu)

Gene: POLQ (DNA polymerase theta; minus strand). Cytogenetic location: 3q13.33.
Variant type: single nucleotide variant.
Coding change: c.7291G>T on transcript NM_199420.4 (MANE Select); coding-DNA position 7291, G replaced by T.
Protein change: p.Val2431Leu; replaces valine 2431 with leucine.
Molecular consequence: missense variant.
Genome position (GRCh38, 1-based): chr3:121,440,090, C>A on the plus strand (G>T on the coding strand, the complement: POLQ is on the minus strand). VCF-style: chr3-121440090-C-A. GRCh37 (hg19) VCF-style: chr3-121158937-C-A.
Other names: short protein forms V2431L.
Identifiers: ClinVar variation 3230149 (VCV003230149.1), dbSNP rs2546749954, ClinGen allele CA354098785.